The following is an entry in ClinVar:

NM_000059.4(BRCA2):c.-39-12_-39-10del

Gene: BRCA2 (BRCA2 DNA repair associated; plus strand). Cytogenetic location: 13q13.1.
Variant type: Microsatellite.
Coding change: c.-39-12_-39-10del on transcript NM_000059.4 (MANE Select); 12 bases into the intron before 39 bases upstream of the start codon through 10 bases into the intron before 39 bases upstream of the start codon, 3 bases deleted (TCT; older notation c.-39-12_-39-10delTCT).
Molecular consequence: intron variant.
Genome position (GRCh38, 1-based): chr13:32,316,410-32,316,412, TCT deleted; deleting any 3 consecutive bases within chr13:32,316,407-32,316,412 gives the same sequence; the c. name uses the placement nearest the transcript's 3' end. VCF-style (leftmost placement, unchanged base first): chr13-32316406-GTCT-G. GRCh37 (hg19) VCF-style: chr13-32890543-GTCT-G.
Other names: IVS1-12delTCT; IVS1-12del3; c.-39-12_-39-10delTCT (NM_000059.3, NM_000059.4).
Identifiers: ClinVar variation 37715 (VCV000037715.26), dbSNP rs276174798, ClinGen allele CA019146.

ClinVar aggregate classification (germline): Conflicting classifications of pathogenicity. Review status: criteria provided, conflicting classifications (1 of 4 stars). 11 submissions from 10 submitters: Uncertain significance (3); Likely benign (4). 4 of the submissions do not count toward it. Last evaluated 2026-01-31.

Conditions:
BRCA2-related disorder. Also called: BRCA2-related condition; BRCA2-related disorders. Identifiers: MedGen CN239275.
Hereditary cancer-predisposing syndrome. Also called: Tumor predisposition; Neoplastic Syndromes, Hereditary; Hereditary neoplastic syndrome; Hereditary Cancer Syndrome. Identifiers: Orphanet 140162, MedGen C0027672, MeSH D009386, MONDO:0015356.
Breast and/or ovarian cancer. Identifiers: MedGen CN221562.
Familial cancer of breast. Also called: Hereditary breast cancer; BREAST CANCER, FAMILIAL; hereditary breast carcinoma. Identifiers: Orphanet 227535, MedGen C0346153, MONDO:0016419, OMIM 114480. Disease mechanism: loss of function.
Breast-ovarian cancer, familial, susceptibility to, 2 (BROVCA2). Also called: BRCA2 Hereditary Breast and Ovarian Cancer. Identifiers: Orphanet 145, MedGen C2675520, MONDO:0012933, OMIM 612555. Disease mechanism: loss of function.
Hereditary breast ovarian cancer syndrome. Also called: Hereditary breast and ovarian cancer; Hereditary breast and ovarian cancer syndrome (HBOC); Hereditary breast and/or ovarian cancer syndrome; Breast and ovarian cancer; Hereditary breast and ovarian cancer syndrome; BRCA1- and BRCA2-Associated Hereditary Breast and Ovarian Cancer. Identifiers: Orphanet 145, MedGen C0677776, MeSH D061325, MONDO:0003582. Disease mechanism: loss of function.
Malignant tumor of breast. Also called: Malignant breast neoplasm; Cancer breast. Identifiers: MedGen C0006142, MONDO:0007254. Disease mechanism: loss of function.

Submissions (11):

Labcorp Genetics (formerly Invitae), Labcorp
Classification: Likely benign for Hereditary breast ovarian cancer syndrome. Last evaluated: 2026-01-31. Review status: criteria provided, single submitter. Criteria: Invitae Variant Classification Sherloc (09022015). Collection method: clinical testing. Allele origin: germline.

Center for Genomic Medicine, Rigshospitalet, Copenhagen University Hospital
Classification: Likely benign. Last evaluated: 2025-03-04. Review status: criteria provided, single submitter. Criteria: ACMG Guidelines, 2015. Collection method: clinical testing. Allele origin: germline.

Genetics and Molecular Pathology, SA Pathology
Classification: Uncertain significance for Breast-ovarian cancer, familial, susceptibility to, 2. Last evaluated: 2020-04-27. Review status: criteria provided, single submitter. Criteria: ACMG Guidelines, 2015. Collection method: clinical testing. Allele origin: germline. Inheritance: Autosomal dominant inheritance. Affected: yes.
Comment: The BRCA2 c.-39-12_-39-10delTCT variant is classified as VUS (BS3)

CHEO Genetics Diagnostic Laboratory, Children's Hospital of Eastern Ontario
Classification: Uncertain significance for Breast and/or ovarian cancer. Last evaluated: 2020-04-24. Review status: criteria provided, single submitter. Criteria: ACMG Guidelines, 2015. Collection method: clinical testing. Allele origin: germline.

GeneDx
Classification: Likely benign. Last evaluated: 2018-02-27. Review status: criteria provided, single submitter. Criteria: GeneDx Variant Classification (06012015). Collection method: clinical testing. Allele origin: germline. Affected: yes.
Comment: This variant is considered likely benign or benign based on one or more of the following criteria: it is a conservative change, it occurs at a poorly conserved position in the protein, it is predicted to be benign by multiple in silico algorithms, and/or has population frequency not consistent with disease.

Color Diagnostics, LLC DBA Color Health
Classification: Likely benign for Hereditary cancer-predisposing syndrome. Last evaluated: 2016-08-05. Review status: criteria provided, single submitter. Criteria: ACMG Guidelines, 2015. Collection method: clinical testing. Allele origin: germline.

Department of Pathology and Laboratory Medicine, Sinai Health System
Classification: Uncertain significance for Familial cancer of breast; Breast-ovarian cancer, familial, susceptibility to, 2. Last evaluated: 2013-07-25. Review status: criteria provided, single submitter. Criteria: ACMG Guidelines, 2015. Collection method: clinical testing. Allele origin: germline. Affected: yes.

PreventionGenetics, part of Exact Sciences
Classification: Likely benign for BRCA2-related condition. Last evaluated: 2019-07-01. Review status: no assertion criteria provided. Collection method: clinical testing. Allele origin: germline. Not counted in ClinVar's aggregate classification.
Comment: This variant is classified as likely benign based on ACMG/AMP sequence variant interpretation guidelines (Richards et al. 2015 PMID: 25741868, with internal and published modifications).

Sharing Clinical Reports Project (SCRP)
Classification: Benign for Breast-ovarian cancer, familial 2. Last evaluated: 2010-12-17. Review status: no assertion criteria provided. Collection method: clinical testing. Allele origin: germline. Not counted in ClinVar's aggregate classification.

Breast Cancer Information Core (BIC) (BRCA2)
Classification: Uncertain significance for Breast-ovarian cancer, familial 2. Last evaluated: 2002-05-29. Review status: no assertion criteria provided. Collection method: clinical testing. Allele origin: germline. Affected: yes. Observed: 7 variant alleles. Not counted in ClinVar's aggregate classification.

Department of Pathology and Laboratory Medicine, Sinai Health System
Classification: Uncertain significance for Malignant tumor of breast. Review status: no assertion criteria provided. Collection method: clinical testing. Allele origin: unknown. Affected: yes. Study: The Canadian Open Genetics Repository (COGR). Not counted in ClinVar's aggregate classification.
Comment: The BRCA2, EXON02, c.-39-12_-39-10delTCT variant was not identified in the literature, but was identified in dbSNP (ID: rs276174798) â€šÃ„ÃºWith non-pathogenic alleleâ€šÃ„Ã¹, in UMD 2X as an â€šÃ„Ãºunclassified variantâ€šÃ„Ã¹ (UV), and in the BIC database 7X as a variant with unknown clinical importance. This variant is located in the 3' splice region of the 5' UTR, which may be involved in splicing activity of Exon 2 (the first coding exon). The variant does not affect the invariant -1 and -2 positions; however, positions -3 and -5 to -12 are part of the splicing consensus sequence and variants involving these positions sometimes affect splicing. Computational prediction software (SpliceSiteFinder, MaxEntScan, NNSPLICE, GeneSplicer, HumanSpliceFinder) provide inconsistent predictions regarding splicing; however, this information is not predictive enough to rule out pathogenicity. In summary, based on the above information, the clinical significance of this variant cannot be determined at this time. Therefore, this variant is classified as a variant of unknown significance.